The following is an entry in ClinVar:

NM_015404.4(WHRN):c.2225C>T (p.Pro742Leu)

Gene: WHRN (whirlin; minus strand). Cytogenetic location: 9q32.
Variant type: single nucleotide variant.
Coding change: c.2225C>T on transcript NM_015404.4 (MANE Select); coding-DNA position 2225, C replaced by T.
Protein change: p.Pro742Leu; replaces proline 742 with leucine.
Molecular consequence: missense variant.
Genome position (GRCh38, 1-based): chr9:114,406,366, G>A on the plus strand (C>T on the coding strand, the complement: WHRN is on the minus strand). VCF-style: chr9-114406366-G-A. GRCh37 (hg19) VCF-style: chr9-117168646-G-A.
Other names: c.1076C>T, p.Pro359Leu (NM_001083885.3); c.2225C>T, p.Pro742Leu (NM_001173425.2); c.1172C>T, p.Pro391Leu (NM_001346890.1); short protein forms P359L, P391L, P742L.
Identifiers: ClinVar variation 1713535 (VCV001713535.5), dbSNP rs2491521627, ClinGen allele CA374620033.
Genomic context (GRCh38, chr9:114,406,366, plus strand): 5'-GAGGACAGGGACCCCCAAGGACCACAGAGCCTGGCCTTGCTGTACTCACTGCGCGTCTGG[G>A]GCAGCGCCCTCACTTCATTGACGTCTGGCTCGCTGTCGGGGCGGTGGACCTCCACCATGA-3'
Protein context (NP_056219.3, residues 732-752): EPDVNEVRAL[Pro742Leu]QTRTASTLSQ

ClinVar aggregate classification (germline): Uncertain significance (1 of 4 stars; one submission).

Submission:

Labcorp Genetics (formerly Invitae), Labcorp
Classification: Uncertain significance. Last evaluated: 2022-07-23. Review status: criteria provided, single submitter. Criteria: Invitae Variant Classification Sherloc (09022015). Collection method: clinical testing. Allele origin: germline.
Comment: This variant has not been reported in the literature in individuals affected with WHRN-related conditions. This variant is not present in population databases (gnomAD no frequency). This sequence change replaces proline, which is neutral and non-polar, with leucine, which is neutral and non-polar, at codon 742 of the WHRN protein (p.Pro742Leu). In summary, the available evidence is currently insufficient to determine the role of this variant in disease. Therefore, it has been classified as a Variant of Uncertain Significance. Algorithms developed to predict the effect of missense changes on protein structure and function are either unavailable or do not agree on the potential impact of this missense change (SIFT: "Deleterious"; PolyPhen-2: "Probably Damaging"; Align-GVGD: "Class C15").